The following is an entry in ClinVar:

NM_016333.4(SRRM2):c.7152G>C (p.Arg2384Ser)

Gene: SRRM2 (serine/arginine repetitive matrix 2; plus strand). Cytogenetic location: 16p13.3.
Variant type: single nucleotide variant.
Coding change: c.7152G>C on transcript NM_016333.4 (MANE Select); coding-DNA position 7152, G replaced by C.
Protein change: p.Arg2384Ser; replaces arginine 2384 with serine.
Molecular consequence: missense variant.
Genome position (GRCh38, 1-based): chr16:2,767,680, G>C. VCF-style: chr16-2767680-G-C. GRCh37 (hg19) VCF-style: chr16-2817681-G-C.
Other names: short protein forms R2384S.
Identifiers: ClinVar variation 2630697 (VCV002630697.1), dbSNP rs767891658, ClinGen allele CA7848984.

ClinVar aggregate classification (germline): Uncertain significance (1 of 4 stars; one submission).

Conditions:
SRRM2-related disorder. Also called: SRRM2-related condition.

Allele frequency attached by ClinVar (database versions not stated): ExAC 0.00001.

Submission:

PreventionGenetics, part of Exact Sciences
Classification: Uncertain significance for SRRM2-related condition. Last evaluated: 2023-09-16. Review status: criteria provided, single submitter. Criteria: ACMG Guidelines, 2015. Collection method: clinical testing. Allele origin: germline.
Comment: The SRRM2 c.7152G>C variant is predicted to result in the amino acid substitution p.Arg2384Ser. To our knowledge, this variant has not been reported in the literature. This variant is reported in 0.0054% of alleles in individuals of East Asian descent in gnomAD. At this time, the clinical significance of this variant is uncertain due to the absence of conclusive functional and genetic evidence.